The following is an entry in ClinVar:

ClinVar aggregate classification (germline): Likely pathogenic. Review status: criteria provided, single submitter (1 of 4 stars). 3 submissions from 3 submitters: Likely pathogenic (1). 2 of the submissions do not count toward it. Last evaluated 2018-01-29.

Conditions:
Intellectual disability, X-linked 102 (MRXSSB). Also called: Intellectual developmental disorder, X-linked syndromic, Snijders Blok type. Identifiers: Orphanet 457260, MedGen C5393299, MONDO:0010497, OMIM 300958.

Submissions (3):

Mayo Clinic Laboratories, Mayo Clinic
Classification: Likely pathogenic for Intellectual disability, X-linked 102. Last evaluated: 2018-01-29. Review status: criteria provided, single submitter. Criteria: ACMG Guidelines, 2015. Collection method: clinical testing. Allele origin: de novo.

OMIM
Classification: Pathogenic for INTELLECTUAL DEVELOPMENTAL DISORDER, X-LINKED, SYNDROMIC, SNIJDERS BLOK TYPE. Last evaluated: 2020-05-07. Review status: no assertion criteria provided. Collection method: literature only. Allele origin: germline. Not counted in ClinVar's aggregate classification.

GeneReviews
No classification provided. Condition: Intellectual disability, X-linked 102. Review status: no classification provided. Collection method: literature only. Allele origin: germline. Not counted in ClinVar's aggregate classification.
Comment: Observed in affected males w/de novo occurrence [Wang et al 2018, Nicola et al 2019]

Literature cited by the submitters: PubMed 30734472 (cited by OMIM and GeneReviews); NCBI Bookshelf NBK561282 (cited by GeneReviews).

NM_001356.5(DDX3X):c.1486G>A (p.Val496Met)

Gene: DDX3X (DEAD-box helicase 3 X-linked; plus strand). Cytogenetic location: Xp11.4.
Variant type: single nucleotide variant.
Coding change: c.1486G>A on transcript NM_001356.5 (MANE Select); coding-DNA position 1486, G replaced by A.
Protein change: p.Val496Met; replaces valine 496 with methionine.
Molecular consequence: missense variant. On other transcripts: non-coding transcript variant (1).
Genome position (GRCh38, 1-based): chrX:41,346,399, G>A. VCF-style: chrX-41346399-G-A. GRCh37 (hg19) VCF-style: chrX-41205652-G-A.
Other names: c.1486G>A, p.Val496Met (NM_001193416.3); c.1438G>A, p.Val480Met (NM_001193417.3); c.928G>A, p.Val310Met (NM_001363819.1); short protein forms V496M, V310M, V480M.
Identifiers: ClinVar variation 548024 (VCV000548024.8), dbSNP rs1555954154, ClinGen allele CA412775876.